The following is an entry in ClinVar:

NM_001377.3(DYNC2H1):c.1170G>T (p.Lys390Asn)

Gene: DYNC2H1 (dynein cytoplasmic 2 heavy chain 1; plus strand). Cytogenetic location: 11q22.3.
Variant type: single nucleotide variant.
Coding change: c.1170G>T on transcript NM_001377.3 (MANE Select); coding-DNA position 1170, G replaced by T.
Protein change: p.Lys390Asn; replaces lysine 390 with asparagine.
Molecular consequence: missense variant.
Genome position (GRCh38, 1-based): chr11:103,120,724, G>T. VCF-style: chr11-103120724-G-T. GRCh37 (hg19) VCF-style: chr11-102991453-G-T.
Other names: c.1170G>T, p.Lys390Asn (NM_001080463.2); short protein forms K390N.
Identifiers: ClinVar variation 5004385 (VCV005004385.1).
Genomic context (GRCh38, chr11:103,120,724, plus strand): 5'-CTAACAATGTTGTTAATGTATGTAGCCCTTGTGGAAAGCTGCGGTGTCTCAATATGAAAA[G>T]ATTATTGCACCTGCGGAACAAAAAATAGCAGGAAAATTGAAAAATTATATTTCAGAAATT-3'
Protein context (NP_001368.2, residues 380-400): LWKAAVSQYE[Lys390Asn]IIAPAEQKIA

ClinVar aggregate classification (germline): Uncertain significance (1 of 4 stars; one submission).

Conditions:
Asphyxiating thoracic dystrophy 3. Also called: POLYDACTYLY WITH NEONATAL CHONDRODYSTROPHY, TYPE I; SHORT-RIB THORACIC DYSPLASIA 3 WITH OR WITHOUT POLYDACTYLY; SHORT-RIB THORACIC DYSPLASIA 3/6 WITH POLYDACTYLY, DIGENIC; Saldino-Noonan Syndrome; Short rib polydactyly syndrome 2B. Identifiers: Orphanet 474, Orphanet 93269, Orphanet 93270, Orphanet 93271, MedGen C0036069, MONDO:0013127, OMIM 613091.

gnomAD v4.1: 1 of 1,609,708 alleles (0.000062%); highest among the groups gnomAD compares: Non-Finnish European, 0.000085%; no homozygotes.

Submission:

Myriad Genetics, Inc.
Classification: Uncertain significance for Asphyxiating thoracic dystrophy 3. Last evaluated: 2026-01-14. Review status: criteria provided, single submitter. Criteria: Myriad Autosomal Dominant, Autosomal Recessive and X-Linked Classification Criteria (2023). Collection method: clinical testing. Allele origin: unknown.
Comment: NM_001377.2(DYNC2H1):c.1170G>T(K390N) is a missense variant classified as a variant of uncertain significance in the context of DYNC2H1-related disorders. K390N has not been observed in cases with relevant disease. Relevant functional assessments of this variant are not available in the literature. K390N has not been observed in referenced population frequency databases. In summary, there is insufficient evidence to classify NM_001377.2(DYNC2H1):c.1170G>T(K390N) as pathogenic or benign. Please note: this variant was assessed in the context of healthy population screening.